The following is an entry in ClinVar:

ClinVar aggregate classification (germline): Uncertain significance (1 of 4 stars; one submission).

Conditions:
Pyogenic arthritis-pyoderma gangrenosum-acne syndrome (PAPA). Also called: PAPA SYNDROME; FAMILIAL RECURRENT ARTHRITIS. Identifiers: Orphanet 69126, MedGen C1858361, MONDO:0011462, OMIM 604416.

Submission:

Labcorp Genetics (formerly Invitae), Labcorp
Classification: Uncertain significance for Pyogenic arthritis-pyoderma gangrenosum-acne syndrome. Last evaluated: 2021-07-02. Review status: criteria provided, single submitter. Criteria: Invitae Variant Classification Sherloc (09022015). Collection method: clinical testing. Allele origin: germline.
Comment: This sequence change creates a premature translational stop signal (p.Ile60Serfs*14) in the PSTPIP1 gene. It is expected to result in an absent or disrupted protein product. However, the current clinical and genetic evidence is not sufficient to establish whether loss-of-function variants in PSTPIP1 cause disease. This variant is not present in population databases (ExAC no frequency). This variant has not been reported in the literature in individuals affected with PSTPIP1-related conditions. Experimental studies and prediction algorithms are not available or were not evaluated, and the functional significance of this variant is currently unknown. In summary, the available evidence is currently insufficient to determine the role of this variant in disease. Therefore, it has been classified as a Variant of Uncertain Significance.

NM_003978.5(PSTPIP1):c.177del (p.Ile60fs)

Gene: PSTPIP1 (proline-serine-threonine phosphatase interacting protein 1; plus strand). Cytogenetic location: 15q24.3.
Variant type: Deletion.
Coding change: c.177del on transcript NM_003978.5 (MANE Select); coding-DNA position 177, one base deleted (G; older notation c.177delG).
Protein change: p.Ile60fs; shifts the reading frame from isoleucine 60.
Molecular consequence: frameshift variant. On other transcripts: non-coding transcript variant (1).
Genome position (GRCh38, 1-based): chr15:77,018,496, G deleted. VCF-style (leftmost placement, unchanged base first): chr15-77018495-AG-A. GRCh37 (hg19) VCF-style: chr15-77310836-AG-A.
Other names: c.177del, p.Ile60fs (NM_001321135.2); c.150del, p.Ile51fs (NM_001321136.2); c.372del, p.Ile125fs (NM_001321137.1); short protein forms I51fs, I125fs, I60fs.
Identifiers: ClinVar variation 1502688 (VCV001502688.6), dbSNP rs2152679010, ClinGen allele CA2573151180.